The following is an entry in ClinVar:

ClinVar aggregate classification (germline): Uncertain significance. Review status: criteria provided, multiple submitters, no conflicts (2 of 4 stars). 2 submissions from 2 submitters: Uncertain significance (2). Last evaluated 2025-12-18.

Conditions:
Multiple endocrine neoplasia, type 2 (MEN2). Identifiers: Orphanet 653, MedGen C4048306, MONDO:0019003. Disease mechanism: gain of function.
Hereditary cancer-predisposing syndrome. Also called: Neoplastic Syndromes, Hereditary; Tumor predisposition; Hereditary Cancer Syndrome; Hereditary neoplastic syndrome. Identifiers: Orphanet 140162, MedGen C0027672, MeSH D009386, MONDO:0015356.

Submissions (2):

Ambry Genetics
Classification: Uncertain significance for Hereditary cancer-predisposing syndrome. Last evaluated: 2025-12-18. Review status: criteria provided, single submitter. Criteria: Ambry Variant Classification Scheme 2023. Collection method: clinical testing. Allele origin: germline.
Comment: The p.V357I variant (also known as c.1069G>A), located in coding exon 6 of the RET gene, results from a G to A substitution at nucleotide position 1069. The valine at codon 357 is replaced by isoleucine, an amino acid with highly similar properties. This amino acid position is conserved. In addition, this alteration is predicted to be tolerated by in silico analysis. Since supporting evidence is limited at this time, the clinical significance of this alteration remains unclear.

Labcorp Genetics (formerly Invitae), Labcorp
Classification: Uncertain significance for Multiple endocrine neoplasia, type 2. Last evaluated: 2025-03-14. Review status: criteria provided, single submitter. Criteria: Invitae Variant Classification Sherloc (09022015). Collection method: clinical testing. Allele origin: germline.
Comment: This sequence change replaces valine, which is neutral and non-polar, with isoleucine, which is neutral and non-polar, at codon 357 of the RET protein (p.Val357Ile). This variant is not present in population databases (gnomAD no frequency). This variant has not been reported in the literature in individuals affected with RET-related conditions. ClinVar contains an entry for this variant (Variation ID: 2562603). An algorithm developed to predict the effect of missense changes on protein structure and function (PolyPhen-2) suggests that this variant is likely to be tolerated. In summary, the available evidence is currently insufficient to determine the role of this variant in disease. Therefore, it has been classified as a Variant of Uncertain Significance.

NM_020975.6(RET):c.1069G>A (p.Val357Ile)

Gene: RET (ret proto-oncogene; plus strand). Cytogenetic location: 10q11.21.
Variant type: single nucleotide variant.
Coding change: c.1069G>A on transcript NM_020975.6 (MANE Select); coding-DNA position 1069, G replaced by A.
Protein change: p.Val357Ile; replaces valine 357 with isoleucine.
Molecular consequence: missense variant. On other transcripts: intron variant (18).
Genome position (GRCh38, 1-based): chr10:43,109,036, G>A. VCF-style: chr10-43109036-G-A. GRCh37 (hg19) VCF-style: chr10-43604484-G-A.
Other names: c.1069G>A, p.Val357Ile (NM_000323.2, NM_001406743.1, NM_001406744.1 and 6 more transcripts); c.307G>A, p.Val103Ile (NM_001355216.2); c.940G>A, p.Val314Ile (NM_001406761.1, NM_001406762.1, NM_001406764.1 and 1 more transcripts); c.781G>A, p.Val261Ile (NM_001406766.1, NM_001406767.1, NM_001406770.1); c.631G>A, p.Val211Ile (NM_001406771.1, NM_001406773.1); c.343G>A, p.Val115Ile (NM_001406775.1, NM_001406776.1, NM_001406777.1 and 1 more transcripts); c.79G>A, p.Val27Ile (NM_001406784.1); c.868-2171G>A (NM_001406772.1, NM_001406769.1); and 5 more; short protein forms V27I, V314I, V103I, V115I, V261I, V357I, V211I.
Identifiers: ClinVar variation 2562603 (VCV002562603.5), dbSNP rs2538423051, ClinGen allele CA376547178.